The following is an entry in ClinVar:

NM_203486.3(DLL3):c.351T>C (p.Pro117=)

Gene: DLL3 (delta like canonical Notch ligand 3; plus strand). Cytogenetic location: 19q13.2.
Variant type: single nucleotide variant.
Coding change: c.351T>C on transcript NM_203486.3 (MANE Select); coding-DNA position 351, T replaced by C.
Protein change: p.Pro117=; no amino-acid change (proline 117 retained).
Molecular consequence: synonymous variant.
Genome position (GRCh38, 1-based): chr19:39,499,473, T>C. VCF-style: chr19-39499473-T-C. GRCh37 (hg19) VCF-style: chr19-39990113-T-C.
Other names: c.351T>C, p.Pro117= (NM_016941.4).
Identifiers: ClinVar variation 1364330 (VCV001364330.8), dbSNP rs769556737, ClinGen allele CA9432161.

ClinVar aggregate classification (germline): Uncertain significance (1 of 4 stars; one submission).

Allele frequency attached by ClinVar (database versions not stated): TOPMed below 0.00001; gnomAD exomes 0.00001 and 0.00002; ExAC 0.00002.
gnomAD v4.1: 5 of 1,588,128 alleles (0.00031%); highest among the groups gnomAD compares: Admixed American, 0.0085%; no homozygotes.

Submission:

Labcorp Genetics (formerly Invitae), Labcorp
Classification: Uncertain significance. Last evaluated: 2021-05-18. Review status: criteria provided, single submitter. Criteria: Invitae Variant Classification Sherloc (09022015). Collection method: clinical testing. Allele origin: germline.
Comment: Algorithms developed to predict the effect of sequence changes on RNA splicing suggest that this variant is not likely to affect RNA splicing, but this prediction has not been confirmed by published transcriptional studies. This variant has not been reported in the literature in individuals with DLL3-related conditions. This variant is present in population databases (rs769556737, ExAC 0.02%). This sequence change affects codon 117 of the DLL3 mRNA. It is a 'silent' change, meaning that it does not change the encoded amino acid sequence of the DLL3 protein. In summary, the available evidence is currently insufficient to determine the role of this variant in disease. Therefore, it has been classified as a Variant of Uncertain Significance.